The following is an entry in ClinVar:

NM_018669.6(WDR4):c.361G>A (p.Asp121Asn)

Gene: WDR4 (WDR4 tRNA N7-guanosine methyltransferase non-catalytic subunit; minus strand). Cytogenetic location: 21q22.3.
Variant type: single nucleotide variant.
Coding change: c.361G>A on transcript NM_018669.6 (MANE Select); coding-DNA position 361, G replaced by A.
Protein change: p.Asp121Asn; replaces aspartic acid 121 with asparagine.
Molecular consequence: missense variant. On other transcripts: 5 prime UTR variant (3), non-coding transcript variant (1).
Genome position (GRCh38, 1-based): chr21:42,863,532, C>T on the plus strand (G>A on the coding strand, the complement: WDR4 is on the minus strand). VCF-style: chr21-42863532-C-T. GRCh37 (hg19) VCF-style: chr21-44283642-C-T.
Other names: c.361G>A (NM_018669.4); c.361G>A, p.Asp121Asn (NM_001260474.2, NM_033661.5); c.-78G>A (NM_001260475.2, NM_001260476.2, NM_001260477.2 and 1 more transcripts); short protein forms D121N.
Identifiers: ClinVar variation 1977236 (VCV001977236.6), dbSNP rs1474570437, ClinGen allele CA410394050.
Genomic context (GRCh38, chr21:42,863,532, plus strand): 5'-CTAGACGGCCACACCCGTGTGGCTCCAGCACCGAAAAGGAGTAGACGTCTCCAGACTTGT[C>T]GGCCACCAAGACCTTCTCCTCCGAGGCTATGAAAGTCAGGGCTGTACACCTCCTTGCCAC-3'
Protein context (NP_061139.2, residues 111-131): IASEEKVLVA[Asp121Asn]KSGDVYSFSV

ClinVar aggregate classification (germline): Uncertain significance. Review status: criteria provided, multiple submitters, no conflicts (2 of 4 stars). 2 submissions from 2 submitters: Uncertain significance (2). Last evaluated 2024-06-17.

Conditions:
Inborn genetic diseases. Identifiers: MedGen C0950123, MeSH D030342.

Allele frequency attached by ClinVar (database versions not stated): gnomAD 0.00001; TOPMed 0.00002.
gnomAD v4.1: 15 of 1,613,902 alleles (0.00093%); highest among the groups gnomAD compares: Admixed American, 0.0033%; no homozygotes.

Submissions (2):

Ambry Genetics
Classification: Uncertain significance for Inborn genetic diseases. Last evaluated: 2024-06-17. Review status: criteria provided, single submitter. Criteria: Ambry Variant Classification Scheme 2023. Collection method: clinical testing. Allele origin: germline.

Labcorp Genetics (formerly Invitae), Labcorp
Classification: Uncertain significance. Last evaluated: 2022-03-26. Review status: criteria provided, single submitter. Criteria: Invitae Variant Classification Sherloc (09022015). Collection method: clinical testing. Allele origin: germline.
Comment: This variant is present in population databases (no rsID available, gnomAD 0.006%). In summary, the available evidence is currently insufficient to determine the role of this variant in disease. Therefore, it has been classified as a Variant of Uncertain Significance. Algorithms developed to predict the effect of missense changes on protein structure and function are either unavailable or do not agree on the potential impact of this missense change (SIFT: "Deleterious"; PolyPhen-2: "Probably Damaging"; Align-GVGD: "Class C0"). This variant has not been reported in the literature in individuals affected with WDR4-related conditions. This sequence change replaces aspartic acid, which is acidic and polar, with asparagine, which is neutral and polar, at codon 121 of the WDR4 protein (p.Asp121Asn).